The following is an entry in ClinVar:

NM_022725.4(FANCF):c.351_397del (p.Gly120fs)

Gene: FANCF (FA complementation group F; minus strand). Cytogenetic location: 11p14.3.
Variant type: Deletion.
Coding change: c.351_397del on transcript NM_022725.4 (MANE Select); coding-DNA positions 351 to 397, 47 bases deleted.
Protein change: p.Gly120fs; shifts the reading frame from glycine 120.
Molecular consequence: frameshift variant.
Genome position (GRCh38, 1-based): chr11:22,625,414-22,625,460, 47 bases deleted; deleting any 47 consecutive bases within chr11:22,625,414-22,625,462 gives the same sequence; the c. name uses the placement nearest the transcript's 3' end. GRCh37 (hg19): chr11:22,646,962-22,647,008.
Other names: short protein forms G120fs.
Identifiers: ClinVar variation 6341 (VCV000006341.13), dbSNP rs730880278, ClinGen allele CA253843.

ClinVar aggregate classification (germline): Conflicting classifications of pathogenicity. Review status: criteria provided, conflicting classifications (1 of 4 stars). 5 submissions from 5 submitters: Pathogenic (3); Uncertain significance (1). 1 of the submissions does not count toward it. Last evaluated 2025-06-17.

Conditions:
Fanconi anemia (FA). Also called: Fanconi's anemia. Identifiers: Orphanet 84, MedGen C0015625, MeSH D005199, MONDO:0019391.
Fanconi anemia complementation group F. Also called: FANCF-Related Fanconi Anemia. Identifiers: Orphanet 84, MedGen C3469526, MONDO:0011325, OMIM 603467.

Submissions (5):

GeneDx
Classification: Uncertain significance. Last evaluated: 2025-06-17. Review status: criteria provided, single submitter. Criteria: GeneDx Variant Classification Process June 2021. Collection method: clinical testing. Allele origin: germline. Affected: yes.
Comment: Frameshift variant predicted to result in abnormal protein length as the last 255 amino acid(s) are replaced with 16 different amino acid(s), and other similar variants have been reported in HGMD; This variant is associated with the following publications: (PMID: 10615118, 37066159)

Labcorp Genetics (formerly Invitae), Labcorp
Classification: Pathogenic for Fanconi anemia. Last evaluated: 2025-04-22. Review status: criteria provided, single submitter. Criteria: Invitae Variant Classification Sherloc (09022015). Collection method: clinical testing. Allele origin: germline.
Comment: This sequence change creates a premature translational stop signal (p.Gly120Profs*17) in the FANCF gene. While this is not anticipated to result in nonsense mediated decay, it is expected to disrupt the last 255 amino acid(s) of the FANCF protein. This variant is present in population databases (rs777098449, gnomAD 0.004%). This variant has not been reported in the literature in individuals affected with FANCF-related conditions. ClinVar contains an entry for this variant (Variation ID: 6341). This variant disrupts a region of the FANCF protein in which other variant(s) (p.Leu162Aspfs*103) have been determined to be pathogenic (PMID: 10615118, 26033879, 27714961, 28102861). This suggests that this is a clinically significant region of the protein, and that variants that disrupt it are likely to be disease-causing. For these reasons, this variant has been classified as Pathogenic.

Baylor Genetics
Classification: Pathogenic for Fanconi anemia complementation group F. Last evaluated: 2024-03-24. Review status: criteria provided, single submitter. Criteria: ACMG Guidelines, 2015. Collection method: clinical testing. Allele origin: unknown.

Fulgent Genetics
Classification: Pathogenic for Fanconi anemia complementation group F. Last evaluated: 2023-12-27. Review status: criteria provided, single submitter. Criteria: ACMG Guidelines, 2015. Collection method: clinical testing. Allele origin: germline.

OMIM
Classification: Pathogenic for FANCONI ANEMIA, COMPLEMENTATION GROUP F. Last evaluated: 2000-01-01. Review status: no assertion criteria provided. Collection method: literature only. Allele origin: germline. Not counted in ClinVar's aggregate classification.

Literature cited by the submitters: PubMed 10615118 (cited by Labcorp Genetics (formerly Invitae), Labcorp and OMIM); PubMed 26033879 (cited by Labcorp Genetics (formerly Invitae), Labcorp); PubMed 27714961 (cited by Labcorp Genetics (formerly Invitae), Labcorp); PubMed 28102861 (cited by Labcorp Genetics (formerly Invitae), Labcorp); PubMed 9382107 (cited by OMIM).